The following is an entry in ClinVar:

NM_020937.4(FANCM):c.4453A>G (p.Lys1485Glu)

Gene: FANCM (FA complementation group M; plus strand). Cytogenetic location: 14q21.2.
Variant type: single nucleotide variant.
Coding change: c.4453A>G on transcript NM_020937.4 (MANE Select); coding-DNA position 4453, A replaced by G.
Protein change: p.Lys1485Glu; replaces lysine 1485 with glutamic acid.
Molecular consequence: missense variant.
Genome position (GRCh38, 1-based): chr14:45,183,840, A>G. VCF-style: chr14-45183840-A-G. GRCh37 (hg19) VCF-style: chr14-45653043-A-G.
Other names: c.4375A>G, p.Lys1459Glu (NM_001308133.2); short protein forms K1459E, K1485E.
Identifiers: ClinVar variation 4254653 (VCV004254653.1).

ClinVar aggregate classification (germline): Uncertain significance (1 of 4 stars; one submission).

Conditions:
Inborn genetic diseases. Identifiers: MedGen C0950123, MeSH D030342.

Submission:

Ambry Genetics
Classification: Uncertain significance for Inborn genetic diseases. Last evaluated: 2025-08-07. Review status: criteria provided, single submitter. Criteria: Ambry Variant Classification Scheme 2023. Collection method: clinical testing. Allele origin: germline.
Comment: The p.K1485E variant (also known as c.4453A>G), located in coding exon 17 of the FANCM gene, results from an A to G substitution at nucleotide position 4453. The lysine at codon 1485 is replaced by glutamic acid, an amino acid with similar properties. This amino acid position is conserved. In addition, this alteration is predicted to be tolerated by in silico analysis. Based on the available evidence, the clinical significance of this variant remains unclear.